The following is an entry in ClinVar:

NM_016111.4(TELO2):c.335+1G>C

Gene: TELO2 (telomere maintenance 2; plus strand). Cytogenetic location: 16p13.3.
Variant type: single nucleotide variant.
Coding change: c.335+1G>C on transcript NM_016111.4 (MANE Select); the canonical splice donor site of the intron after coding-DNA position 335, G replaced by C.
Molecular consequence: splice donor variant.
Genome position (GRCh38, 1-based): chr16:1,494,617, G>C. VCF-style: chr16-1494617-G-C. GRCh37 (hg19) VCF-style: chr16-1544618-G-C.
Other names: c.335+1G>C (NM_001351846.2).
Identifiers: ClinVar variation 4725492 (VCV004725492.1).
Genomic context (GRCh38, chr16:1,494,617, plus strand): 5'-GGAGGGCCCGGCGGACCAAGCCTTCCTGGTGTTGATGGAGACCATCGAGGGTGCTGCGGG[G>C]TGAGTGGGCTGGGCCCATCCTGGGGTTGCCGGTAGCCTCAGAAGTGATGAGAGTGGCTTG-3'

ClinVar aggregate classification (germline): Likely pathogenic (1 of 4 stars; one submission).

Submission:

Labcorp Genetics (formerly Invitae), Labcorp
Classification: Likely pathogenic. Last evaluated: 2025-08-15. Review status: criteria provided, single submitter. Criteria: Invitae Variant Classification Sherloc (09022015). Collection method: clinical testing. Allele origin: germline.
Comment: This sequence change affects a donor splice site in intron 2 of the TELO2 gene. It is expected to disrupt RNA splicing. Variants that disrupt the donor or acceptor splice site typically lead to a loss of protein function (PMID: 16199547), and loss-of-function variants in TELO2 are known to be pathogenic (PMID: 28944240). This variant is not present in population databases (gnomAD no frequency). This variant has not been reported in the literature in individuals affected with TELO2-related conditions. Algorithms developed to predict the effect of sequence changes on RNA splicing suggest that this variant may disrupt the consensus splice site. In summary, the currently available evidence indicates that the variant is pathogenic, but additional data are needed to prove that conclusively. Therefore, this variant has been classified as Likely Pathogenic.

Literature cited by the submitters: PubMed 16199547; PubMed 28944240.